The following is an entry in ClinVar:

NM_001184.4(ATR):c.4407C>T (p.Thr1469=)

Gene: ATR (ATR checkpoint kinase; minus strand). Cytogenetic location: 3q23.
Variant type: single nucleotide variant.
Coding change: c.4407C>T on transcript NM_001184.4 (MANE Select); coding-DNA position 4407, C replaced by T.
Protein change: p.Thr1469=; no amino-acid change (threonine 1469 retained).
Molecular consequence: synonymous variant.
Genome position (GRCh38, 1-based): chr3:142,515,491, G>A on the plus strand (C>T on the coding strand, the complement: ATR is on the minus strand). VCF-style: chr3-142515491-G-A. GRCh37 (hg19) VCF-style: chr3-142234333-G-A.
Other names: c.4215C>T, p.Thr1405= (NM_001354579.2).
Identifiers: ClinVar variation 343604 (VCV000343604.18), dbSNP rs201300027, ClinGen allele CA2649854.
Genomic context (GRCh38, chr3:142,515,491, plus strand): 5'-TTCTGCAAAGTTACTACCCAATTTACTTAAGTAAATTGGCTTCTTTACTCCAGACCAATC[G>A]GTTGACTTCTGAGAACTCTTGTATCTGTAATTTTGAAAATTTGTTTATTAAAAAGATAAA-3'
Protein context (NP_001175.2, residues 1459-1479): NTRYKSSQKS[Thr1469=]DWSGVKKPIY

ClinVar aggregate classification (germline): Conflicting classifications of pathogenicity. Review status: criteria provided, conflicting classifications (1 of 4 stars). 6 submissions from 6 submitters: Uncertain significance (1); Likely benign (4). 1 of the submissions does not count toward it. Last evaluated 2026-01-28.

Conditions:
Seckel syndrome 1 (SCKL1). Also called: MICROCEPHALIC PRIMORDIAL DWARFISM I. Identifiers: Orphanet 808, MedGen C4551474, MONDO:0008869, OMIM 210600.
ATR-related disorder. Also called: ATR-related condition.
Inborn genetic diseases. Identifiers: MedGen C0950123, MeSH D030342.

Allele frequency attached by ClinVar (database versions not stated): gnomAD exomes 0.00002; gnomAD 0.00003; TOPMed 0.00009; 1000 Genomes Project 0.00020; 1000 Genomes Project 30x 0.00031.
gnomAD v4.1: 36 of 1,611,376 alleles (0.0022%); highest among the groups gnomAD compares: Middle Eastern, 0.083%; no homozygotes.

Submissions (6):

Labcorp Genetics (formerly Invitae), Labcorp
Classification: Likely benign. Last evaluated: 2026-01-28. Review status: criteria provided, single submitter. Criteria: Invitae Variant Classification Sherloc (09022015). Collection method: clinical testing. Allele origin: germline.

Women's Health and Genetics/Laboratory Corporation of America, LabCorp
Classification: Likely benign. Last evaluated: 2025-11-11. Review status: criteria provided, single submitter. Criteria: LabCorp Variant Classification Summary - May 2015. Collection method: clinical testing. Allele origin: germline.
Comment: Variant summary: ATR c.4407C>T alters a conserved nucleotide resulting in a synonymous change. Consensus agreement among computation tools predict no significant impact on normal splicing. However, these predictions have yet to be confirmed by functional studies. The variant allele was found at a frequency of 8e-05 in 251130 control chromosomes. This frequency is not significantly higher than estimated for disease-causing variants in ATR, allowing no conclusion about variant significance. To our knowledge, no occurrence of c.4407C>T in individuals affected with ATR-related conditions and no experimental evidence demonstrating its impact on protein function have been reported. ClinVar contains an entry for this variant (Variation ID: 343604). Based on the evidence outlined above, the variant was classified as likely benign.

Blueprint Genetics
Classification: Likely benign. Last evaluated: 2023-05-19. Review status: criteria provided, single submitter. Criteria: ACMG Guidelines, 2015. Collection method: clinical testing. Allele origin: germline.

Ambry Genetics
Classification: Likely benign for Inborn genetic diseases. Last evaluated: 2022-02-25. Review status: criteria provided, single submitter. Criteria: Ambry Variant Classification Scheme 2023. Collection method: clinical testing. Allele origin: germline.

Illumina Laboratory Services, Illumina
Classification: Uncertain significance for Seckel syndrome 1. Last evaluated: 2018-01-12. Review status: criteria provided, single submitter. Criteria: ICSL Variant Classification Criteria 13 December 2019. Collection method: clinical testing. Allele origin: germline.

PreventionGenetics, part of Exact Sciences
Classification: Likely benign for ATR-related condition. Last evaluated: 2019-03-21. Review status: no assertion criteria provided. Collection method: clinical testing. Allele origin: germline. Not counted in ClinVar's aggregate classification.
Comment: This variant is classified as likely benign based on ACMG/AMP sequence variant interpretation guidelines (Richards et al. 2015 PMID: 25741868, with internal and published modifications).